The following is an entry in ClinVar:

NM_015041.3(CLUAP1):c.107C>A (p.Ser36Tyr)

Gene: CLUAP1 (clusterin associated protein 1; plus strand). Cytogenetic location: 16p13.3.
Variant type: single nucleotide variant.
Coding change: c.107C>A on transcript NM_015041.3 (MANE Select); coding-DNA position 107, C replaced by A.
Protein change: p.Ser36Tyr; replaces serine 36 with tyrosine.
Molecular consequence: missense variant.
Genome position (GRCh38, 1-based): chr16:3,504,804, C>A. VCF-style: chr16-3504804-C-A. GRCh37 (hg19) VCF-style: chr16-3554804-C-A.
Other names: c.107C>A, p.Ser36Tyr (NM_001330454.2); short protein forms S36Y.
Identifiers: ClinVar variation 2085513 (VCV002085513.4), dbSNP rs770136831, ClinGen allele CA276958515.
Genomic context (GRCh38, chr16:3,504,804, plus strand): 5'-TGGGATACCCTCGACATATTTCTATGGAAAATTTCCGTACACCCAATTTTGGACTTGTAT[C>A]TGAAGTGCTTCTCTGGCTTGTGAAAAGGTTCGAACGGCACTTTATTGACATCTAAGAGTG-3'
Protein context (NP_055856.1, residues 26-46): NFRTPNFGLV[Ser36Tyr]EVLLWLVKRY

ClinVar aggregate classification (germline): Uncertain significance (1 of 4 stars; one submission).

Submission:

Labcorp Genetics (formerly Invitae), Labcorp
Classification: Uncertain significance. Last evaluated: 2022-05-31. Review status: criteria provided, single submitter. Criteria: Invitae Variant Classification Sherloc (09022015). Collection method: clinical testing. Allele origin: germline.
Comment: This variant has not been reported in the literature in individuals affected with CLUAP1-related conditions. This sequence change replaces serine, which is neutral and polar, with tyrosine, which is neutral and polar, at codon 36 of the CLUAP1 protein (p.Ser36Tyr). This variant is not present in population databases (gnomAD no frequency). Algorithms developed to predict the effect of missense changes on protein structure and function are either unavailable or do not agree on the potential impact of this missense change (SIFT: "Deleterious"; PolyPhen-2: "Benign"; Align-GVGD: "Class C15"). In summary, the available evidence is currently insufficient to determine the role of this variant in disease. Therefore, it has been classified as a Variant of Uncertain Significance.